The following is an entry in ClinVar:

NM_022765.4(MICAL1):c.995G>C (p.Arg332Pro)

Gene: MICAL1 (microtubule associated monooxygenase, calponin and LIM domain containing 1; minus strand). Cytogenetic location: 6q21.
Variant type: single nucleotide variant.
Coding change: c.995G>C on transcript NM_022765.4 (MANE Select); coding-DNA position 995, G replaced by C.
Protein change: p.Arg332Pro; replaces arginine 332 with proline.
Molecular consequence: missense variant. On other transcripts: intron variant (1).
Genome position (GRCh38, 1-based): chr6:109,450,496, C>G on the plus strand (G>C on the coding strand, the complement: MICAL1 is on the minus strand). VCF-style: chr6-109450496-C-G. GRCh37 (hg19) VCF-style: chr6-109771699-C-G.
Other names: c.1052G>C, p.Arg351Pro (NM_001286613.2); c.934-411G>C (NM_001159291.2); short protein forms R332P, R351P.
Identifiers: ClinVar variation 4724412 (VCV004724412.1).

ClinVar aggregate classification (germline): Uncertain significance (1 of 4 stars; one submission).

Submission:

Labcorp Genetics (formerly Invitae), Labcorp
Classification: Uncertain significance. Last evaluated: 2025-07-30. Review status: criteria provided, single submitter. Criteria: Invitae Variant Classification Sherloc (09022015). Collection method: clinical testing. Allele origin: germline.
Comment: This sequence change replaces arginine, which is basic and polar, with proline, which is neutral and non-polar, at codon 351 of the MICAL1 protein (p.Arg351Pro). This variant is not present in population databases (gnomAD no frequency). This variant has not been reported in the literature in individuals affected with MICAL1-related conditions. An algorithm developed to predict the effect of missense changes on protein structure and function (PolyPhen-2) suggests that this variant is likely to be disruptive. In summary, the available evidence is currently insufficient to determine the role of this variant in disease. Therefore, it has been classified as a Variant of Uncertain Significance.